The following is an entry in ClinVar:

NM_020831.6(MRTFA):c.2511A>T (p.Lys837Asn)

Gene: MRTFA (myocardin related transcription factor A; minus strand). Cytogenetic location: 22q13.1.
Variant type: single nucleotide variant.
Coding change: c.2511A>T on transcript NM_020831.6 (MANE Select); coding-DNA position 2511, A replaced by T.
Protein change: p.Lys837Asn; replaces lysine 837 with asparagine.
Molecular consequence: missense variant.
Genome position (GRCh38, 1-based): chr22:40,417,347, T>A on the plus strand (A>T on the coding strand, the complement: MRTFA is on the minus strand). VCF-style: chr22-40417347-T-A. GRCh37 (hg19) VCF-style: chr22-40813351-T-A.
Other names: c.2511A>T, p.Lys837Asn (NM_001282662.3); c.2316A>T, p.Lys772Asn (NM_001318139.2); c.2211A>T, p.Lys737Asn (NM_001282660.2); c.2361A>T, p.Lys787Asn (NM_001282661.3); short protein forms K787N, K772N, K737N, K837N.
Identifiers: ClinVar variation 2837443 (VCV002837443.3), dbSNP rs2517805894, ClinGen allele CA411655776.
Genomic context (GRCh38, chr22:40,417,347, plus strand): 5'-CCAGCAGCCTAGGGCAGCTGCCAACACTAGCCAGGCCTAGCCCGCCTTCCTCACCTGCTG[T>A]TTGGGCTGCTGGCTCATGGCTTCCTCATAGCCAGGTGGTTCCTTCTTCAGCAGAGAAGTG-3'
Protein context (NP_065882.2, residues 827-847): GYEEAMSQQP[Lys837Asn]QQENGSSSQQ

ClinVar aggregate classification (germline): Uncertain significance (1 of 4 stars; one submission).

Submission:

Labcorp Genetics (formerly Invitae), Labcorp
Classification: Uncertain significance. Last evaluated: 2023-03-14. Review status: criteria provided, single submitter. Criteria: Invitae Variant Classification Sherloc (09022015). Collection method: clinical testing. Allele origin: germline.
Comment: An algorithm developed to predict the effect of missense changes on protein structure and function (PolyPhen-2) suggests that this variant is likely to be tolerated. This variant has not been reported in the literature in individuals affected with MKL1-related conditions. This variant is not present in population databases (gnomAD no frequency). This sequence change replaces lysine, which is basic and polar, with asparagine, which is neutral and polar, at codon 737 of the MKL1 protein (p.Lys737Asn). In summary, the available evidence is currently insufficient to determine the role of this variant in disease. Therefore, it has been classified as a Variant of Uncertain Significance.